The following is an entry in ClinVar:

ClinVar aggregate classification (germline): Pathogenic (1 of 4 stars; one submission).

Conditions:
Deficiency of malonyl-CoA decarboxylase. Also called: Malonic aciduria; MCD deficiency. Identifiers: Orphanet 943, MedGen C0342793, MONDO:0009556, OMIM 248360.

Submission:

Labcorp Genetics (formerly Invitae), Labcorp
Classification: Pathogenic for Deficiency of malonyl-CoA decarboxylase. Last evaluated: 2023-03-20. Review status: criteria provided, single submitter. Criteria: Invitae Variant Classification Sherloc (09022015). Collection method: clinical testing. Allele origin: germline.
Comment: For these reasons, this variant has been classified as Pathogenic. This variant has not been reported in the literature in individuals affected with MLYCD-related conditions. This variant is not present in population databases (gnomAD no frequency). This sequence change creates a premature translational stop signal (p.Asn179Lysfs*28) in the MLYCD gene. It is expected to result in an absent or disrupted protein product. Loss-of-function variants in MLYCD are known to be pathogenic (PMID: 12955715, 17186413).

Literature cited by the submitters: PubMed 12955715; PubMed 17186413.

NM_012213.3(MLYCD):c.537_538del (p.Asn179fs)

Gene: MLYCD (malonyl-CoA decarboxylase; plus strand). Cytogenetic location: 16q23.3.
Variant type: Deletion.
Coding change: c.537_538del on transcript NM_012213.3 (MANE Select); coding-DNA positions 537 to 538, 2 bases deleted (TG; older notation c.537_538delTG).
Protein change: p.Asn179fs; shifts the reading frame from asparagine 179.
Molecular consequence: frameshift variant.
Genome position (GRCh38, 1-based): chr16:83,906,995-83,906,996, TG deleted. VCF-style (leftmost placement, unchanged base first): chr16-83906994-ATG-A. GRCh37 (hg19) VCF-style: chr16-83940599-ATG-A.
Other names: short protein forms N179fs.
Identifiers: ClinVar variation 2847635 (VCV002847635.3), dbSNP rs2507380638, ClinGen allele CA2739266902.